The following is an entry in ClinVar:

NM_002691.4(POLD1):c.565G>T (p.Ala189Ser)

Gene: POLD1 (DNA polymerase delta 1, catalytic subunit; plus strand). Cytogenetic location: 19q13.33.
Variant type: single nucleotide variant.
Coding change: c.565G>T on transcript NM_002691.4 (MANE Select); coding-DNA position 565, G replaced by T.
Protein change: p.Ala189Ser; replaces alanine 189 with serine.
Molecular consequence: missense variant. On other transcripts: non-coding transcript variant (1).
Genome position (GRCh38, 1-based): chr19:50,402,100, G>T. VCF-style: chr19-50402100-G-T. GRCh37 (hg19) VCF-style: chr19-50905357-G-T.
Other names: c.565G>T, p.Ala189Ser (NM_001256849.1, NM_001308632.1); short protein forms A189S.
Identifiers: ClinVar variation 537072 (VCV000537072.16), dbSNP rs761846026, ClinGen allele CA9595797.

ClinVar aggregate classification (germline): Uncertain significance. Review status: criteria provided, multiple submitters, no conflicts (2 of 4 stars). 4 submissions from 4 submitters: Uncertain significance (4). Last evaluated 2026-01-25.

Conditions:
Hereditary cancer-predisposing syndrome. Also called: Tumor predisposition; Neoplastic Syndromes, Hereditary; Hereditary Cancer Syndrome; Hereditary neoplastic syndrome. Identifiers: Orphanet 140162, MedGen C0027672, MeSH D009386, MONDO:0015356.
POLD1-related polyposis and colorectal cancer syndrome (CRCS10). Also called: Colorectal cancer 10; COLORECTAL CANCER, SUSCEPTIBILITY TO, ON CHROMOSOME 19q; Colorectal cancer, susceptibility to, 10. Identifiers: Orphanet 220460, MedGen C2675481, MONDO:0012953, OMIM 612591.

Allele frequency attached by ClinVar (database versions not stated): gnomAD exomes below 0.00001 and 0.00001; TOPMed below 0.00001; ExAC 0.00001; gnomAD 0.00001.
gnomAD v4.1: 20 of 1,613,476 alleles (0.0012%); highest among the groups gnomAD compares: Non-Finnish European, 0.0015%; no homozygotes.

Submissions (4):

Labcorp Genetics (formerly Invitae), Labcorp
Classification: Uncertain significance for POLD1-related polyposis and colorectal cancer syndrome. Last evaluated: 2026-01-25. Review status: criteria provided, single submitter. Criteria: Invitae Variant Classification Sherloc (09022015). Collection method: clinical testing. Allele origin: germline.
Comment: This sequence change replaces alanine, which is neutral and non-polar, with serine, which is neutral and polar, at codon 189 of the POLD1 protein (p.Ala189Ser). This variant is present in population databases (rs761846026, gnomAD 0.0009%). This variant has not been reported in the literature in individuals affected with POLD1-related conditions. ClinVar contains an entry for this variant (Variation ID: 537072). Invitae Evidence Modeling of protein sequence and biophysical properties (such as structural, functional, and spatial information, amino acid conservation, physicochemical variation, residue mobility, and thermodynamic stability) indicates that this missense variant is not expected to disrupt POLD1 protein function with a negative predictive value of 80%. In summary, the available evidence is currently insufficient to determine the role of this variant in disease. Therefore, it has been classified as a Variant of Uncertain Significance.

Ambry Genetics
Classification: Uncertain significance for Hereditary cancer-predisposing syndrome. Last evaluated: 2025-08-07. Review status: criteria provided, single submitter. Criteria: Ambry Variant Classification Scheme 2023. Collection method: clinical testing. Allele origin: germline.
Comment: The p.A189S variant (also known as c.565G>T), located in coding exon 4 of the POLD1 gene, results from a G to T substitution at nucleotide position 565. The alanine at codon 189 is replaced by serine, an amino acid with similar properties. This amino acid position is conserved. In addition, this alteration is predicted to be tolerated by in silico analysis. Since supporting evidence is limited at this time, the clinical significance of this alteration remains unclear.

GeneDx
Classification: Uncertain significance. Last evaluated: 2024-02-15. Review status: criteria provided, single submitter. Criteria: GeneDx Variant Classification Process June 2021. Collection method: clinical testing. Allele origin: germline.
Comment: Not observed at significant frequency in large population cohorts (gnomAD); In silico analysis supports that this missense variant does not alter protein structure/function; Has not been previously published as pathogenic or benign to our knowledge

Mendelics
Classification: Uncertain significance. Last evaluated: 2022-05-04. Review status: criteria provided, single submitter. Criteria: Mendelics Assertion Criteria 2019. Collection method: clinical testing. Allele origin: germline.